The following is an entry in ClinVar:

NM_006005.3(WFS1):c.129A>T (p.Ala43=)

Gene: WFS1 (wolframin ER transmembrane glycoprotein; plus strand). Cytogenetic location: 4p16.1.
Variant type: single nucleotide variant.
Coding change: c.129A>T on transcript NM_006005.3 (MANE Select); coding-DNA position 129, A replaced by T.
Protein change: p.Ala43=; no amino-acid change (alanine 43 retained).
Molecular consequence: synonymous variant.
Genome position (GRCh38, 1-based): chr4:6,277,584, A>T. VCF-style: chr4-6277584-A-T. GRCh37 (hg19) VCF-style: chr4-6279311-A-T.
Other names: c.129A>T, p.Ala43= (NM_001145853.1).
Identifiers: ClinVar variation 386295 (VCV000386295.12), dbSNP rs566876793, ClinGen allele CA2838802.

ClinVar aggregate classification (germline): Benign/Likely benign. Review status: criteria provided, multiple submitters, no conflicts (2 of 4 stars). 5 submissions from 5 submitters: Benign (1); Likely benign (2). 2 of the submissions do not count toward it. Last evaluated 2024-11-06.

Conditions:
Wolfram syndrome 1 (WFS1). Identifiers: Orphanet 3463, MedGen C4551693, MONDO:0009101, OMIM 222300.

Allele frequency attached by ClinVar (database versions not stated): gnomAD exomes 0.00006 and 0.00015; gnomAD 0.00007 and 0.00008; TOPMed 0.00008; ExAC 0.00010.
gnomAD v4.1: 219 of 1,582,148 alleles (0.014%); highest among the groups gnomAD compares: Non-Finnish European, 0.018%; no homozygotes.

Submissions (5):

Labcorp Genetics (formerly Invitae), Labcorp
Classification: Likely benign. Last evaluated: 2024-11-06. Review status: criteria provided, single submitter. Criteria: Invitae Variant Classification Sherloc (09022015). Collection method: clinical testing. Allele origin: germline.

GeneDx
Classification: Likely benign. Last evaluated: 2020-08-07. Review status: criteria provided, single submitter. Criteria: GeneDx Variant Classification Process June 2021. Collection method: clinical testing. Allele origin: germline. Affected: yes.

Clinical Genomics, Uppaluri K&H Personalized Medicine Clinic
Classification: Benign for Wolfram syndrome 1. Review status: criteria provided, single submitter. Criteria: K & H Uppaluri Personalized Medicine Clinic Variant Classification & Assertion Criteria_Updated V.1. Collection method: research. Allele origin: unknown. Inheritance: Autosomal recessive inheritance.
Comment: Potent mutations in WFS1 gene are associated with Wolfram's syndrome, an autosomal recessive condition, which cause diabetes mellitus, diabetes insipidus, deafness and optic atrophy. However no sufficient evidence is found to ascertain the role of this particular variant rs566876793 in Wolfram's syndrome yet.

Clinical Genetics DNA and cytogenetics Diagnostics Lab, Erasmus MC, Erasmus Medical Center
Classification: Likely benign. Review status: no assertion criteria provided. Collection method: clinical testing. Allele origin: germline. Affected: yes. Study: VKGL Data-share Consensus. Not counted in ClinVar's aggregate classification.

Laboratory of Diagnostic Genome Analysis, Leiden University Medical Center (LUMC)
Classification: Likely benign. Review status: no assertion criteria provided. Collection method: clinical testing. Allele origin: germline. Affected: yes. Study: VKGL Data-share Consensus. Not counted in ClinVar's aggregate classification.

Literature cited by the submitters: PubMed 20738327 (cited by Clinical Genomics, Uppaluri K&H Personalized Medicine Clinic); PubMed 33879153 (cited by Clinical Genomics, Uppaluri K&H Personalized Medicine Clinic); PubMed 12955714 (cited by Clinical Genomics, Uppaluri K&H Personalized Medicine Clinic); PubMed 18060660 (cited by Clinical Genomics, Uppaluri K&H Personalized Medicine Clinic); PubMed 20301750 (cited by Clinical Genomics, Uppaluri K&H Personalized Medicine Clinic); PubMed 17603484 (cited by Clinical Genomics, Uppaluri K&H Personalized Medicine Clinic).